The following is an entry in ClinVar:

NM_003640.5(ELP1):c.3169G>A (p.Val1057Ile)

Gene: ELP1 (elongator acetyltransferase complex subunit 1; minus strand). Cytogenetic location: 9q31.3.
Variant type: single nucleotide variant.
Coding change: c.3169G>A on transcript NM_003640.5 (MANE Select); coding-DNA position 3169, G replaced by A.
Protein change: p.Val1057Ile; replaces valine 1057 with isoleucine.
Molecular consequence: missense variant.
Genome position (GRCh38, 1-based): chr9:108,889,385, C>T on the plus strand (G>A on the coding strand, the complement: ELP1 is on the minus strand). VCF-style: chr9-108889385-C-T. GRCh37 (hg19) VCF-style: chr9-111651665-C-T.
Other names: c.2827G>A, p.Val943Ile (NM_001318360.2); c.2122G>A, p.Val708Ile (NM_001330749.2); short protein forms V1057I, V943I, V708I.
Identifiers: ClinVar variation 1406372 (VCV001406372.5), dbSNP rs1370476500, ClinGen allele CA374415004.

ClinVar aggregate classification (germline): Uncertain significance (1 of 4 stars; one submission).

Allele frequency attached by ClinVar (database versions not stated): gnomAD 0.00001; TOPMed 0.00001.
gnomAD v4.1: 2 of 1,614,022 alleles (0.00012%); highest among the groups gnomAD compares: African/African-American, 0.0027%; no homozygotes.

Submission:

Labcorp Genetics (formerly Invitae), Labcorp
Classification: Uncertain significance. Last evaluated: 2021-08-14. Review status: criteria provided, single submitter. Criteria: Invitae Variant Classification Sherloc (09022015). Collection method: clinical testing. Allele origin: germline.
Comment: This sequence change replaces valine with isoleucine at codon 1057 of the ELP1 protein (p.Val1057Ile). The valine residue is moderately conserved and there is a small physicochemical difference between valine and isoleucine. This variant is not present in population databases (ExAC no frequency). This variant has not been reported in the literature in individuals affected with ELP1-related conditions. Algorithms developed to predict the effect of missense changes on protein structure and function (SIFT, PolyPhen-2, Align-GVGD) all suggest that this variant is likely to be tolerated. In summary, the available evidence is currently insufficient to determine the role of this variant in disease. Therefore, it has been classified as a Variant of Uncertain Significance.